The following is an entry in ClinVar:

ClinVar aggregate classification (germline): Pathogenic/Likely pathogenic. Review status: criteria provided, multiple submitters, no conflicts (2 of 4 stars). 2 submissions from 2 submitters: Pathogenic (1); Likely pathogenic (1). Last evaluated 2026-04-15.

Conditions:
Finnish congenital nephrotic syndrome (NPHS1). Also called: NEPHROTIC SYNDROME, TYPE 1. Identifiers: Orphanet 839, MedGen C0403399, MONDO:0009732, OMIM 256300.

Submissions (2):

Myriad Genetics, Inc.
Classification: Pathogenic for Finnish congenital nephrotic syndrome. Last evaluated: 2026-04-15. Review status: criteria provided, single submitter. Criteria: Myriad Autosomal Dominant, Autosomal Recessive and X-Linked Classification Criteria (2023). Collection method: clinical testing. Allele origin: unknown.
Comment: NM_004646.3(NPHS1):c.3574dupC(L1192Pfs*4) is a frameshift variant classified as pathogenic in the context of nephrotic syndrome, NPHS1-related. L1192Pfs*4 has not been observed in cases with relevant disease. Relevant functional assessments of this variant are not available in the literature. L1192Pfs*4 has not been observed in referenced population frequency databases. In summary, NM_004646.3(NPHS1):c.3574dupC(L1192Pfs*4) is a frameshift variant in a gene where loss of function is a known mechanism of disease and is predicted to disrupt protein function. Please note: this variant was assessed in the context of healthy population screening.

Natera, Inc.
Classification: Likely pathogenic for Finnish congenital nephrotic syndrome. Last evaluated: 2025-11-30. Review status: criteria provided, single submitter. Criteria: Natera Variant Classification Schema (03/2026). Collection method: clinical testing. Allele origin: germline.
Comment: The c.3574dup variant in NPHS1 is a frameshift variant predicted to shift the reading frame beginning at codon 1192 and leads to a stop codon 4 codons downstream. This variant is expected to result in nonsense mediated decay, truncation, or a dysfunctional protein product. This variant is rare in the general population with a frequency below the threshold expected for the associated phenotype(s). Given the available evidence, this variant is classified as Likely Pathogenic.

NM_004646.4(NPHS1):c.3574dup (p.Leu1192fs)

Gene: NPHS1 (NPHS1 adhesion molecule, nephrin; minus strand). Cytogenetic location: 19q13.12.
Variant type: Duplication.
Coding change: c.3574dup on transcript NM_004646.4 (MANE Select); coding-DNA position 3574, one base duplicated (C; older notation c.3574dupC).
Protein change: p.Leu1192fs; shifts the reading frame from leucine 1192.
Molecular consequence: frameshift variant.
Genome position (GRCh38, 1-based): chr19:35,830,864, G duplicated on the plus strand (C on the coding strand, the reverse complement: NPHS1 is on the minus strand); the first of 4 consecutive G bases (chr19:35,830,864-35,830,867); duplicating any one gives the same sequence. VCF-style (leftmost placement, unchanged base first): chr19-35830863-A-AG. GRCh37 (hg19) VCF-style: chr19-36321765-A-AG.
Other names: c.3574dup (NM_004646.3); short protein forms L1192fs.
Identifiers: ClinVar variation 4815387 (VCV004815387.2).
Genomic context (GRCh38, chr19:35,830,863, plus strand): 5'-CACTAGCCAGGAAGGATGGTTGCTGATGCAAAGCTTCTCACCATCTGCACTTCATCGTAG[A>AG]GGGGTCCCCAGGCTCCAGACGGGGGGTACGTTCTTTCTACCTCATCATACAAGTGCCCAG-3'